The following is an entry in ClinVar:

NM_000460.4(THPO):c.1052A>G (p.Gln351Arg)

Gene: THPO (thrombopoietin; minus strand). Cytogenetic location: 3q27.1.
Variant type: single nucleotide variant.
Coding change: c.1052A>G on transcript NM_000460.4 (MANE Select); coding-DNA position 1052, A replaced by G.
Protein change: p.Gln351Arg; replaces glutamine 351 with arginine.
Molecular consequence: missense variant. On other transcripts: 3 prime UTR variant (4).
Genome position (GRCh38, 1-based): chr3:184,372,523, T>C on the plus strand (A>G on the coding strand, the complement: THPO is on the minus strand). VCF-style: chr3-184372523-T-C. GRCh37 (hg19) VCF-style: chr3-184090311-T-C.
Other names: c.1040A>G, p.Gln347Arg (NM_001177597.2, NM_001290022.1); c.*75A>G (NM_001177598.2, NM_001289997.1, NM_001290026.1 and 1 more transcripts); c.1052A>G, p.Gln351Arg (NM_001289998.1, NM_001290028.1); c.1472A>G, p.Gln491Arg (NM_001290003.1); short protein forms Q347R, Q351R, Q491R.
Identifiers: ClinVar variation 5009527 (VCV005009527.1).

ClinVar aggregate classification (germline): Uncertain significance (1 of 4 stars; one submission).

Submission:

GeneDx
Classification: Uncertain significance. Last evaluated: 2026-03-21. Review status: criteria provided, single submitter. Criteria: GeneDx Variant Classification Process June 2021. Collection method: clinical testing. Allele origin: germline.
Comment: In silico analysis suggests that this missense variant does not alter protein structure/function; Has not been previously published as pathogenic or benign to our knowledge